The following is an entry in ClinVar:

ClinVar aggregate classification (germline): Uncertain significance (1 of 4 stars; one submission).

Allele frequency attached by ClinVar (database versions not stated): gnomAD exomes 0.00001; gnomAD 0.00003; TOPMed 0.00005.
gnomAD v4.1: 11 of 1,303,898 alleles (0.00084%); highest among the groups gnomAD compares: African/African-American, 0.014%; no homozygotes.

Submission:

Labcorp Genetics (formerly Invitae), Labcorp
Classification: Uncertain significance. Last evaluated: 2025-02-16. Review status: criteria provided, single submitter. Criteria: Invitae Variant Classification Sherloc (09022015). Collection method: clinical testing. Allele origin: germline.
Comment: This sequence change replaces alanine, which is neutral and non-polar, with glycine, which is neutral and non-polar, at codon 753 of the ERCC6L2 protein (p.Ala753Gly). This variant is present in population databases (no rsID available, gnomAD 0.02%). This variant has not been reported in the literature in individuals affected with ERCC6L2-related conditions. ClinVar contains an entry for this variant (Variation ID: 1915270). Experimental studies and prediction algorithms are not available or were not evaluated, and the functional significance of this variant is currently unknown. In summary, the available evidence is currently insufficient to determine the role of this variant in disease. Therefore, it has been classified as a Variant of Uncertain Significance.

NM_020207.7(ERCC6L2):c.2225C>G (p.Ala742Gly)

Gene: ERCC6L2 (ERCC excision repair 6 like 2; plus strand). Cytogenetic location: 9q22.32.
Variant type: single nucleotide variant.
Coding change: c.2225C>G on transcript NM_020207.7 (MANE Select); coding-DNA position 2225, C replaced by G.
Protein change: p.Ala742Gly; replaces alanine 742 with glycine.
Molecular consequence: missense variant. On other transcripts: non-coding transcript variant (1).
Genome position (GRCh38, 1-based): chr9:95,971,976, C>G. VCF-style: chr9-95971976-C-G. GRCh37 (hg19) VCF-style: chr9-98734258-C-G.
Other names: c.2225C>G, p.Ala742Gly (NM_001375291.1, NM_001375292.1, NM_001375293.1 and 1 more transcripts); short protein forms A742G.
Identifiers: ClinVar variation 1915270 (VCV001915270.4), dbSNP rs1003720302, ClinGen allele CA196597306.